The following is an entry in ClinVar:

ClinVar aggregate classification (germline): Uncertain significance (1 of 4 stars; one submission).

Conditions:
Tay-Sachs disease (TSD). Also called: HEXA Disorders; Hexosaminidase A Deficiency; HEXA DEFICIENCY; GM2 gangliosidosis, type 1; Hexosaminidase alpha-subunit deficiency (variant B); Sphingolipidosis, Tay-Sachs. Identifiers: Orphanet 845, MedGen C0039373, MONDO:0010100, OMIM 272800.

Submission:

Labcorp Genetics (formerly Invitae), Labcorp
Classification: Uncertain significance for Tay-Sachs disease. Last evaluated: 2025-02-25. Review status: criteria provided, single submitter. Criteria: Invitae Variant Classification Sherloc (09022015). Collection method: clinical testing. Allele origin: germline.
Comment: This sequence change replaces aspartic acid, which is acidic and polar, with histidine, which is basic and polar, at codon 34 of the HEXA protein (p.Asp34His). This variant is not present in population databases (gnomAD no frequency). This variant has not been reported in the literature in individuals affected with HEXA-related conditions. An algorithm developed to predict the effect of missense changes on protein structure and function outputs the following: PolyPhen-2: "Benign". The histidine amino acid residue is found in multiple mammalian species, which suggests that this missense change does not adversely affect protein function. In summary, the available evidence is currently insufficient to determine the role of this variant in disease. Therefore, it has been classified as a Variant of Uncertain Significance.

NM_000520.6(HEXA):c.100G>C (p.Asp34His)

Gene: HEXA (hexosaminidase subunit alpha; minus strand). Cytogenetic location: 15q23.
Variant type: single nucleotide variant.
Coding change: c.100G>C on transcript NM_000520.6 (MANE Select); coding-DNA position 100, G replaced by C.
Protein change: p.Asp34His; replaces aspartic acid 34 with histidine.
Molecular consequence: missense variant. On other transcripts: non-coding transcript variant (1).
Genome position (GRCh38, 1-based): chr15:72,375,873, C>G on the plus strand (G>C on the coding strand, the complement: HEXA is on the minus strand). VCF-style: chr15-72375873-C-G. GRCh37 (hg19) VCF-style: chr15-72668214-C-G.
Other names: c.100G>C, p.Asp34His (NM_001318825.2); short protein forms D34H.
Identifiers: ClinVar variation 4750167 (VCV004750167.1).